The following is an entry in ClinVar:

NM_020461.4(TUBGCP6):c.1852G>C (p.Asp618His)

Gene: TUBGCP6 (tubulin gamma complex component 6; minus strand). Cytogenetic location: 22q13.33.
Variant type: single nucleotide variant.
Coding change: c.1852G>C on transcript NM_020461.4 (MANE Select); coding-DNA position 1852, G replaced by C.
Protein change: p.Asp618His; replaces aspartic acid 618 with histidine.
Molecular consequence: missense variant.
Genome position (GRCh38, 1-based): chr22:50,225,925, C>G on the plus strand (G>C on the coding strand, the complement: TUBGCP6 is on the minus strand). VCF-style: chr22-50225925-C-G. GRCh37 (hg19) VCF-style: chr22-50664354-C-G.
Other names: short protein forms D618H.
Identifiers: ClinVar variation 1977248 (VCV001977248.5), dbSNP rs750772371, ClinGen allele CA412105085.

ClinVar aggregate classification (germline): Uncertain significance (1 of 4 stars; one submission).

gnomAD v4.1: 3 of 1,613,592 alleles (0.00019%); highest among the groups gnomAD compares: African/African-American, 0.0027%; no homozygotes.

Submission:

Labcorp Genetics (formerly Invitae), Labcorp
Classification: Uncertain significance. Last evaluated: 2022-04-24. Review status: criteria provided, single submitter. Criteria: Invitae Variant Classification Sherloc (09022015). Collection method: clinical testing. Allele origin: germline.
Comment: In summary, the available evidence is currently insufficient to determine the role of this variant in disease. Therefore, it has been classified as a Variant of Uncertain Significance. Algorithms developed to predict the effect of sequence changes on RNA splicing suggest that this variant may create or strengthen a splice site. Algorithms developed to predict the effect of missense changes on protein structure and function are either unavailable or do not agree on the potential impact of this missense change (SIFT: "Deleterious"; PolyPhen-2: "Probably Damaging"; Align-GVGD: "Class C0"). This variant has not been reported in the literature in individuals affected with TUBGCP6-related conditions. This variant is not present in population databases (gnomAD no frequency). This sequence change replaces aspartic acid, which is acidic and polar, with histidine, which is basic and polar, at codon 618 of the TUBGCP6 protein (p.Asp618His).